The following is an entry in ClinVar:

ClinVar aggregate classification (germline): Uncertain significance (1 of 4 stars; one submission).

gnomAD v4.1: 2 of 1,550,784 alleles (0.00013%); highest among the groups gnomAD compares: Non-Finnish European, 0.00017%; no homozygotes.

Submission:

Clinical Genomics Laboratory, Washington University in St. Louis
Classification: Uncertain significance. Last evaluated: 2026-04-20. Review status: criteria provided, single submitter. Criteria: ACMG Guidelines, 2015. Collection method: clinical testing. Allele origin: germline.
Comment: The DNAH14 c.9749A>C (p.Gln3250Pro) variant, to our knowledge, has not been reported in the medical literature. This variant is only observed in 2/1,550,784 alleles in the general population (gnomAD v4.1.0), indicating it is not a common variant. Computational predictors are uncertain as to the impact of this variant on DNAH14 function.Due to limited information, the clinical significance of this variant is uncertain.

NM_001367479.1(DNAH14):c.9749A>C (p.Gln3250Pro)

Gene: DNAH14 (dynein axonemal heavy chain 14; plus strand). Cytogenetic location: 1q42.12.
Variant type: single nucleotide variant.
Coding change: c.9749A>C on transcript NM_001367479.1 (MANE Select); coding-DNA position 9749, A replaced by C.
Protein change: p.Gln3250Pro; replaces glutamine 3250 with proline.
Molecular consequence: missense variant.
Genome position (GRCh38, 1-based): chr1:225,331,462, A>C. VCF-style: chr1-225331462-A-C. GRCh37 (hg19) VCF-style: chr1-225519164-A-C.
Other names: short protein forms Q3250P.
Identifiers: ClinVar variation 4879517 (VCV004879517.1).
Genomic context (GRCh38, chr1:225,331,462, plus strand): 5'-ATATTTTTCTCAATAATGAATTAATTATCTTTCAGGTTGAAGAACATTTGCTGTTTTTAC[A>C]GGCAGCTTACAAAGATACCGTTGCTGAAAAACAACTATTAGCAAATCGGAAAACAATGGC-3'
Protein context (NP_001354408.1, residues 3240-3260): QLVEEHLLFL[Gln3250Pro]AAYKDTVAEK